The following is an entry in ClinVar:

ClinVar aggregate classification (germline): Conflicting classifications of pathogenicity. Review status: criteria provided, conflicting classifications (1 of 4 stars). 6 submissions from 6 submitters: Uncertain significance (4); Likely benign (2). Last evaluated 2026-02-04.

Conditions:
Spondylocarpotarsal synostosis syndrome (SCT). Also called: Synspondylism congenital; Scoliosis, congenital with unilateral unsegmented bar; Spondylocarpotarsal Synostosis Syndrome (FLNB-SCT); SPONDYLOCARPOTARSAL SYNDROME; VERTEBRAL FUSION WITH CARPAL COALITION. Identifiers: Orphanet 3275, MedGen C1848934, MONDO:0010094, OMIM 272460.
FLNB-Related Spectrum Disorders.

Allele frequency attached by ClinVar (database versions not stated): ESP Exome Variant Server 0.00008; gnomAD 0.00013; gnomAD exomes 0.00013 and 0.00021; 1000 Genomes Project 30x 0.00016; 1000 Genomes Project 0.00020; TOPMed 0.00020; ExAC 0.00030.
gnomAD v4.1: 231 of 1,614,066 alleles (0.014%); highest among the groups gnomAD compares: Middle Eastern, 0.26%; no homozygotes.

Submissions (6):

Labcorp Genetics (formerly Invitae), Labcorp
Classification: Likely benign. Last evaluated: 2026-02-04. Review status: criteria provided, single submitter. Criteria: Invitae Variant Classification Sherloc (09022015). Collection method: clinical testing. Allele origin: germline.

Blueprint Genetics
Classification: Likely benign. Last evaluated: 2024-10-15. Review status: criteria provided, single submitter. Criteria: ACMG Guidelines, 2015. Collection method: clinical testing. Allele origin: germline.

GeneDx
Classification: Uncertain significance. Last evaluated: 2022-08-26. Review status: criteria provided, single submitter. Criteria: GeneDx Variant Classification Process June 2021. Collection method: clinical testing. Allele origin: germline. Affected: yes.
Comment: Identified in a patient with Larsen syndrome in published literature who also harbored a de novo c.508 G>C; p.(A170P) variant in the FLNB gene; the p.(R2010C) variant was inherited from the unaffected mother (Dobbs et al., 2008); In silico analysis supports that this missense variant has a deleterious effect on protein structure/function; This variant is associated with the following publications: (PMID: 34491919, 18322662)

Johns Hopkins Genomics, Johns Hopkins University
Classification: Uncertain significance for Spondylocarpotarsal synostosis syndrome. Last evaluated: 2020-07-07. Review status: criteria provided, single submitter. Criteria: ACMG Guidelines, 2015. Collection method: clinical testing. Allele origin: germline.

CeGaT Center for Human Genetics Tuebingen
Classification: Uncertain significance. Last evaluated: 2018-07-01. Review status: criteria provided, single submitter. Criteria: CeGaT Center For Human Genetics Tuebingen Variant Classification Criteria Version 2. Collection method: clinical testing. Allele origin: germline. Affected: yes. Observed: 1 variant allele.

Illumina Laboratory Services, Illumina
Classification: Uncertain significance for FLNB-Related Spectrum Disorders. Last evaluated: 2018-01-13. Review status: criteria provided, single submitter. Criteria: ICSL Variant Classification Criteria 13 December 2019. Collection method: clinical testing. Allele origin: germline.

Literature cited by the submitters: PubMed 18322662 (cited by Johns Hopkins Genomics, Johns Hopkins University).

NM_001457.4(FLNB):c.6028C>T (p.Arg2010Cys)

Gene: FLNB (filamin B; plus strand). Cytogenetic location: 3p14.3.
Variant type: single nucleotide variant.
Coding change: c.6028C>T on transcript NM_001457.4 (MANE Select); coding-DNA position 6028, C replaced by T.
Protein change: p.Arg2010Cys; replaces arginine 2010 with cysteine.
Molecular consequence: missense variant.
Genome position (GRCh38, 1-based): chr3:58,148,789, C>T. VCF-style: chr3-58148789-C-T. GRCh37 (hg19) VCF-style: chr3-58134516-C-T.
Other names: c.6121C>T, p.Arg2041Cys (NM_001164317.2); c.5995C>T, p.Arg1999Cys (NM_001164318.2); c.5956C>T, p.Arg1986Cys (NM_001164319.2); short protein forms R1986C, R2010C, R2041C, R1999C.
Identifiers: ClinVar variation 809500 (VCV000809500.56), dbSNP rs138034708, ClinGen allele CA2469228.